The following is an entry in ClinVar:

ClinVar aggregate classification (germline): Likely benign (0 of 4 stars; one submission).

Conditions:
LRCH3-related disorder. Also called: LRCH3-related condition.

Submission:

PreventionGenetics, part of Exact Sciences
Classification: Likely benign for LRCH3-related condition. Last evaluated: 2020-01-08. Review status: no assertion criteria provided. Collection method: clinical testing. Allele origin: germline.
Comment: This variant is classified as likely benign based on ACMG/AMP sequence variant interpretation guidelines (Richards et al. 2015 PMID: 25741868, with internal and published modifications).

NM_001365715.1(LRCH3):c.2208+6_2208+9del

Gene: LRCH3 (leucine rich repeats and calponin homology domain containing 3; plus strand). Cytogenetic location: 3q29.
Variant type: Deletion.
Coding change: c.2208+6_2208+9del on transcript NM_001365715.1 (MANE Select); bases 6 to 9 of the intron after coding-DNA position 2208, 4 bases deleted (AAAT; older notation c.2208+6_2208+9delAAAT).
Molecular consequence: intron variant.
Genome position (GRCh38, 1-based): chr3:197,875,781-197,875,784, AAAT deleted; deleting any 4 consecutive bases within chr3:197,875,778-197,875,784 gives the same sequence; the c. name uses the placement nearest the transcript's 3' end. VCF-style (leftmost placement, unchanged base first): chr3-197875777-TAATA-T. GRCh37 (hg19) VCF-style: chr3-197602648-TAATA-T.
Other names: c.2208+6_2208+9del (NM_001363887.1); c.2100+6_2100+9del (NM_001365716.1, NM_001365718.1); c.2136+6_2136+9del (NM_001365717.1); c.2208+6_2208+9delAAAT (NM_001363887.1).
Identifiers: ClinVar variation 3047980 (VCV003047980.2), dbSNP rs548874919, ClinGen allele CA2788652.